The following is an entry in ClinVar:

NM_015215.4(CAMTA1):c.4588C>T (p.Leu1530Phe)

Gene: CAMTA1 (calmodulin binding transcription activator 1; plus strand). Cytogenetic location: 1p36.23.
Variant type: single nucleotide variant.
Coding change: c.4588C>T on transcript NM_015215.4 (MANE Select); coding-DNA position 4588, C replaced by T.
Protein change: p.Leu1530Phe; replaces leucine 1530 with phenylalanine.
Molecular consequence: missense variant.
Genome position (GRCh38, 1-based): chr1:7,746,062, C>T. VCF-style: chr1-7746062-C-T. GRCh37 (hg19) VCF-style: chr1-7806122-C-T.
Other names: c.4498C>T, p.Leu1500Phe (NM_001349608.2); c.4249C>T, p.Leu1417Phe (NM_001349609.2, NM_001349610.2, NM_001410737.1); c.4159C>T, p.Leu1387Phe (NM_001349612.2); c.1717C>T, p.Leu573Phe (NM_001349613.1); c.1660C>T, p.Leu554Phe (NM_001349614.1, NM_001349615.2, NM_001349616.2 and 2 more transcripts); c.1321C>T, p.Leu441Phe (NM_001349619.2, NM_001349620.1, NM_001349621.1 and 5 more transcripts); c.4177C>T, p.Leu1393Phe (NM_001410738.1); c.4588C>T (NM_015215.2); short protein forms L1530F, L441F, L554F, L1387F, L573F, L1393F, L1417F, L1500F.
Identifiers: ClinVar variation 2967033 (VCV002967033.4), dbSNP rs757973349, ClinGen allele CA567184.

ClinVar aggregate classification (germline): Uncertain significance. Review status: criteria provided, multiple submitters, no conflicts (2 of 4 stars). 2 submissions from 2 submitters: Uncertain significance (2). Last evaluated 2025-02-25.

Conditions:
Inborn genetic diseases. Identifiers: MedGen C0950123, MeSH D030342.

Allele frequency attached by ClinVar (database versions not stated): ExAC 0.00001; gnomAD 0.00001; gnomAD exomes 0.00001; TOPMed 0.00001.
gnomAD v4.1: 21 of 1,614,072 alleles (0.0013%); highest among the groups gnomAD compares: Non-Finnish European, 0.0017%; no homozygotes.

Submissions (2):

Ambry Genetics
Classification: Uncertain significance for Inborn genetic diseases. Last evaluated: 2025-02-25. Review status: criteria provided, single submitter. Criteria: Ambry Variant Classification Scheme 2023. Collection method: clinical testing. Allele origin: germline.

Labcorp Genetics (formerly Invitae), Labcorp
Classification: Uncertain significance. Last evaluated: 2024-01-08. Review status: criteria provided, single submitter. Criteria: Invitae Variant Classification Sherloc (09022015). Collection method: clinical testing. Allele origin: germline.
Comment: This sequence change replaces leucine, which is neutral and non-polar, with phenylalanine, which is neutral and non-polar, at codon 1530 of the CAMTA1 protein (p.Leu1530Phe). This variant is present in population databases (rs757973349, gnomAD 0.002%). This variant has not been reported in the literature in individuals affected with CAMTA1-related conditions. An algorithm developed to predict the effect of missense changes on protein structure and function (PolyPhen-2) suggests that this variant is likely to be disruptive. In summary, the available evidence is currently insufficient to determine the role of this variant in disease. Therefore, it has been classified as a Variant of Uncertain Significance.